The following is an entry in ClinVar:

ClinVar aggregate classification (germline): Uncertain significance (1 of 4 stars; one submission).

Conditions:
Breast-ovarian cancer, familial, susceptibility to, 1 (BROVCA1). Also called: OVARIAN CANCER, SUSCEPTIBILITY TO; BRCA1 Hereditary Breast and Ovarian Cancer. Identifiers: Orphanet 145, MedGen C2676676, MONDO:0011450, OMIM 604370. Disease mechanism: loss of function.

gnomAD v4.1: 1 of 1,610,120 alleles (0.000062%); highest among the groups gnomAD compares: Non-Finnish European, 0.000085%; no homozygotes.

Submission:

Cancer Bioinformatics and Tumour Evolution Laboratory, Monash University
Classification: Uncertain significance for Breast-ovarian cancer, familial, susceptibility to, 1. Last evaluated: 2026-05-01. Review status: criteria provided, single submitter. Criteria: ClinGen BRCA1 and BRCA2 Guidelines, 2024. Collection method: curation. Allele origin: germline. Inheritance: Autosomal dominant inheritance.
Comment: The variant is in the functional domain (Coiled Coil domain). BayesDel score is 0.135635, which means no impact is predicted. Hence, BP4 is applied in accordance with BRCA1 and BRCA2 VCEP guidelines. No other literature was found.

NM_007294.4(BRCA1):c.4177A>C (p.Thr1393Pro)

Gene: BRCA1 (BRCA1 DNA repair associated; minus strand). Cytogenetic location: 17q21.31.
Variant type: single nucleotide variant.
Coding change: c.4177A>C on transcript NM_007294.4 (MANE Select); coding-DNA position 4177, A replaced by C.
Protein change: p.Thr1393Pro; replaces threonine 1393 with proline.
Molecular consequence: missense variant.
Genome position (GRCh38, 1-based): chr17:43,090,952, T>G on the plus strand (A>C on the coding strand, the complement: BRCA1 is on the minus strand). VCF-style: chr17-43090952-T-G. GRCh37 (hg19) VCF-style: chr17-41242969-T-G.
Other names: c.3844A>C, p.Thr1282Pro (NM_001407957.1, NM_001407946.1, NM_001407947.1 and 6 more transcripts); c.3841A>C, p.Thr1281Pro (NM_001407958.1, NM_001407954.1, NM_001407955.1 and 1 more transcripts); c.3796A>C, p.Thr1266Pro (NM_001407959.1, NM_001407960.1, NM_001407963.1); c.3793A>C, p.Thr1265Pro (NM_001407962.1); c.4033A>C, p.Thr1345Pro (NM_001407964.1, NM_001407740.1, NM_001407741.1 and 20 more transcripts); c.3673A>C, p.Thr1225Pro (NM_001407965.1); c.3289A>C, p.Thr1097Pro (NM_001407966.1, NM_001407967.1); c.4054A>C, p.Thr1352Pro (NM_001407665.1, NM_001407666.1, NM_001407667.1 and 19 more transcripts); and 41 more; short protein forms T1097P, T1225P, T122P, T1265P, T1266P, T1281P, T1282P, T1304P.
Identifiers: ClinVar variation 4856567 (VCV004856567.1).